The following is an entry in ClinVar:

ClinVar aggregate classification (germline): Uncertain significance (1 of 4 stars; one submission).

Conditions:
Pitt-Hopkins-like syndrome 2 (PTHSL2). Identifiers: Orphanet 221150, Orphanet 600663, MedGen C3280479, MONDO:0013690, OMIM 614325.

gnomAD v4.1: 1 of 1,461,140 alleles (0.000068%); highest among the groups gnomAD compares: East Asian, 0.0024%; no homozygotes.

Submission:

Labcorp Genetics (formerly Invitae), Labcorp
Classification: Uncertain significance for Pitt-Hopkins-like syndrome 2. Last evaluated: 2022-09-01. Review status: criteria provided, single submitter. Criteria: Invitae Variant Classification Sherloc (09022015). Collection method: clinical testing. Allele origin: germline.
Comment: In summary, the available evidence is currently insufficient to determine the role of this variant in disease. Therefore, it has been classified as a Variant of Uncertain Significance. Algorithms developed to predict the effect of missense changes on protein structure and function are either unavailable or do not agree on the potential impact of this missense change (SIFT: "Tolerated"; PolyPhen-2: "Probably Damaging"; Align-GVGD: "Class C0"). This variant has not been reported in the literature in individuals affected with NRXN1-related conditions. This variant is not present in population databases (gnomAD no frequency). This sequence change replaces arginine, which is basic and polar, with histidine, which is basic and polar, at codon 8 of the NRXN1 protein (p.Arg8His).

NM_001330078.2(NRXN1):c.23G>A (p.Arg8His)

Gene: NRXN1 (neurexin 1; minus strand). Cytogenetic location: 2p16.3.
Variant type: single nucleotide variant.
Coding change: c.23G>A on transcript NM_001330078.2 (MANE Select); coding-DNA position 23, G replaced by A.
Protein change: p.Arg8His; replaces arginine 8 with histidine.
Molecular consequence: missense variant.
Genome position (GRCh38, 1-based): chr2:51,028,251, C>T on the plus strand (G>A on the coding strand, the complement: NRXN1 is on the minus strand). VCF-style: chr2-51028251-C-T. GRCh37 (hg19) VCF-style: chr2-51255389-C-T.
Other names: c.23G>A, p.Arg8His (NM_001135659.3, NM_001330077.2, NM_001330079.2 and 15 more transcripts); short protein forms R8H.
Identifiers: ClinVar variation 1714683 (VCV001714683.5), dbSNP rs796052765, ClinGen allele CA346824866.
Genomic context (GRCh38, chr2:51,028,251, plus strand): 5'-CCCAGCTCCGCCCAGCAGCCCAGGAGCAGCAGCGAGAGGCACAGAAGAAAACAGCCCCCG[C>T]GCTGGAGCAGCGCCGTCCCCATGCTCGGGGCTGGGGTGCGGCGGGGGGGTGCCGGGGCCG-3'
Protein context (NP_001317007.1, residues 1-18): MGTALLQ[Arg8His]GGCFLLCLSL